The following is an entry in ClinVar:

ClinVar aggregate classification (germline): Uncertain significance. Review status: criteria provided, multiple submitters, no conflicts (2 of 4 stars). 2 submissions from 2 submitters: Uncertain significance (2). Last evaluated 2024-03-11.

Conditions:
Short stature, microcephaly, and endocrine dysfunction (SSMED). Identifiers: Orphanet 436182, MedGen C4225288, MONDO:0014686, OMIM 616541.

Allele frequency attached by ClinVar (database versions not stated): 1000 Genomes Project 30x 0.00016; gnomAD 0.00019 and 0.00022; 1000 Genomes Project 0.00020; gnomAD exomes 0.00021 and 0.00029; ExAC 0.00022; TOPMed 0.00023; ESP Exome Variant Server 0.00046.
gnomAD v4.1: 457 of 1,612,460 alleles (0.028%); highest among the groups gnomAD compares: Admixed American, 0.04%; no homozygotes.

Submissions (2):

Fulgent Genetics
Classification: Uncertain significance for Short stature, microcephaly, and endocrine dysfunction. Last evaluated: 2024-03-11. Review status: criteria provided, single submitter. Criteria: ACMG Guidelines, 2015. Collection method: clinical testing. Allele origin: germline.

Labcorp Genetics (formerly Invitae), Labcorp
Classification: Uncertain significance. Last evaluated: 2022-08-06. Review status: criteria provided, single submitter. Criteria: Invitae Variant Classification Sherloc (09022015). Collection method: clinical testing. Allele origin: germline.
Comment: This sequence change replaces asparagine, which is neutral and polar, with histidine, which is basic and polar, at codon 326 of the XRCC4 protein (p.Asn326His). This variant is present in population databases (rs61749611, gnomAD 0.04%). This variant has not been reported in the literature in individuals affected with XRCC4-related conditions. ClinVar contains an entry for this variant (Variation ID: 1369842). Algorithms developed to predict the effect of missense changes on protein structure and function are either unavailable or do not agree on the potential impact of this missense change (SIFT: "Not Available"; PolyPhen-2: "Probably Damaging"; Align-GVGD: "Not Available"). In summary, the available evidence is currently insufficient to determine the role of this variant in disease. Therefore, it has been classified as a Variant of Uncertain Significance.

NM_003401.5(XRCC4):c.970A>C (p.Asn324His)

Gene: XRCC4 (X-ray repair cross complementing 4; plus strand). Cytogenetic location: 5q14.2.
Variant type: single nucleotide variant.
Coding change: c.970A>C on transcript NM_003401.5 (MANE Select); coding-DNA position 970, A replaced by C.
Protein change: p.Asn324His; replaces asparagine 324 with histidine.
Molecular consequence: missense variant.
Genome position (GRCh38, 1-based): chr5:83,353,207, A>C. VCF-style: chr5-83353207-A-C. GRCh37 (hg19) VCF-style: chr5-82649026-A-C.
Other names: c.976A>C, p.Asn326His (NM_001318012.3, NM_022406.5); c.970A>C, p.Asn324His (NM_022550.4); short protein forms N324H, N326H.
Identifiers: ClinVar variation 1369842 (VCV001369842.7), dbSNP rs61749611, ClinGen allele CA3332320.
Genomic context (GRCh38, chr5:83,353,207, plus strand): 5'-CCTGAGACGTCTAAAAAGGAGCACATCTCAGCTGAAAACATGTCTTTAGAAACTCTGAGA[A>C]ACAGCAGCCCAGAAGACCTCTTTGATGAGATTTAACAGTCTCAAAAAATACTTTGATGTT-3'
Protein context (NP_003392.1, residues 314-334): AENMSLETLR[Asn324His]SSPEDLFDEI